The following is an entry in ClinVar:

NM_000057.4(BLM):c.2448G>A (p.Met816Ile)

Gene: BLM (BLM RecQ like helicase; plus strand). Cytogenetic location: 15q26.1.
Variant type: single nucleotide variant.
Coding change: c.2448G>A on transcript NM_000057.4 (MANE Select); coding-DNA position 2448, G replaced by A.
Protein change: p.Met816Ile; replaces methionine 816 with isoleucine.
Molecular consequence: missense variant.
Genome position (GRCh38, 1-based): chr15:90,769,479, G>A. VCF-style: chr15-90769479-G-A. GRCh37 (hg19) VCF-style: chr15-91312709-G-A.
Other names: c.2448G>A (NM_000057.3); c.2448G>A, p.Met816Ile (NM_001287246.2, NM_001287247.2); c.1323G>A, p.Met441Ile (NM_001287248.2); short protein forms M816I, M441I.
Identifiers: ClinVar variation 2452555 (VCV002452555.7), dbSNP rs756799764, ClinGen allele CA7738779.

ClinVar aggregate classification (germline): Uncertain significance. Review status: criteria provided, multiple submitters, no conflicts (2 of 4 stars). 3 submissions from 3 submitters: Uncertain significance (3). Last evaluated 2025-08-02.

Conditions:
Bloom syndrome (BLM). Also called: Bloom-Torre-Machacek syndrome. Identifiers: Orphanet 125, MedGen C0005859, MONDO:0008876, OMIM 210900.
Hereditary cancer-predisposing syndrome. Also called: Neoplastic Syndromes, Hereditary; Tumor predisposition; Hereditary neoplastic syndrome; Hereditary Cancer Syndrome. Identifiers: Orphanet 140162, MedGen C0027672, MeSH D009386, MONDO:0015356.

Allele frequency attached by ClinVar (database versions not stated): gnomAD exomes below 0.00001; ExAC 0.00001.
gnomAD v4.1: 2 of 1,614,102 alleles (0.00012%); highest among the groups gnomAD compares: Admixed American, 0.0033%; no homozygotes.

Submissions (3):

Ambry Genetics
Classification: Uncertain significance for Hereditary cancer-predisposing syndrome. Last evaluated: 2025-08-02. Review status: criteria provided, single submitter. Criteria: Ambry Variant Classification Scheme 2023. Collection method: clinical testing. Allele origin: germline.
Comment: The p.M816I variant (also known as c.2448G>A), located in coding exon 11 of the BLM gene, results from a G to A substitution at nucleotide position 2448. The methionine at codon 816 is replaced by isoleucine, an amino acid with highly similar properties. This amino acid position is conserved. In addition, this alteration is predicted to be tolerated by in silico analysis. Since supporting evidence is limited at this time, the clinical significance of this alteration remains unclear.

Labcorp Genetics (formerly Invitae), Labcorp
Classification: Uncertain significance for Bloom syndrome. Last evaluated: 2023-12-06. Review status: criteria provided, single submitter. Criteria: Invitae Variant Classification Sherloc (09022015). Collection method: clinical testing. Allele origin: germline.
Comment: This sequence change replaces methionine, which is neutral and non-polar, with isoleucine, which is neutral and non-polar, at codon 816 of the BLM protein (p.Met816Ile). This variant is present in population databases (rs756799764, gnomAD 0.006%). This variant has not been reported in the literature in individuals affected with BLM-related conditions. ClinVar contains an entry for this variant (Variation ID: 2452555). Advanced modeling of protein sequence and biophysical properties (such as structural, functional, and spatial information, amino acid conservation, physicochemical variation, residue mobility, and thermodynamic stability) performed at Invitae indicates that this missense variant is not expected to disrupt BLM protein function with a negative predictive value of 80%. In summary, the available evidence is currently insufficient to determine the role of this variant in disease. Therefore, it has been classified as a Variant of Uncertain Significance.

Quest Diagnostics Nichols Institute San Juan Capistrano
Classification: Uncertain significance. Last evaluated: 2022-11-25. Review status: criteria provided, single submitter. Criteria: Quest Diagnostics criteria. Collection method: clinical testing. Allele origin: unknown.
Comment: This variant has not been reported in the published literature. The frequency of this variant in the general population, 0.000008 (2/251468 chromosomes), is uninformative in assessment of its pathogenicity. Analysis of this variant using bioinformatics tools for the prediction of the effect of amino acid changes on protein structure and function yielded predictions that this variant is benign. Based on the available information, we are unable to determine the clinical significance of this variant.